The following is an entry in ClinVar:

NM_000548.5(TSC2):c.4770C>G (p.Asp1590Glu)

Gene: TSC2 (TSC complex subunit 2; plus strand). Cytogenetic location: 16p13.3.
Variant type: single nucleotide variant.
Coding change: c.4770C>G on transcript NM_000548.5 (MANE Select); coding-DNA position 4770, C replaced by G.
Protein change: p.Asp1590Glu; replaces aspartic acid 1590 with glutamic acid.
Molecular consequence: missense variant.
Genome position (GRCh38, 1-based): chr16:2,086,300, C>G. VCF-style: chr16-2086300-C-G. GRCh37 (hg19) VCF-style: chr16-2136301-C-G.
Other names: c.4569C>G, p.Asp1523Glu (NM_001077183.3); c.4701C>G, p.Asp1567Glu (NM_001114382.3); c.4461C>G, p.Asp1487Glu (NM_001318827.2); c.4425C>G, p.Asp1475Glu (NM_001318829.2); c.4038C>G, p.Asp1346Glu (NM_001318831.2); c.4602C>G, p.Asp1534Glu (NM_001318832.2); c.4572C>G, p.Asp1524Glu (NM_001363528.2); c.4638C>G, p.Asp1546Glu (NM_001370404.1); and 26 more; short protein forms D1366E, D1486E, D1546E, D1075E, D1076E, D1119E, D1346E, D1390E.
Identifiers: ClinVar variation 1972758 (VCV001972758.6), dbSNP rs1596439135, ClinGen allele CA394307885.

ClinVar aggregate classification (germline): Uncertain significance. Review status: criteria provided, multiple submitters, no conflicts (2 of 4 stars). 2 submissions from 2 submitters: Uncertain significance (2). Last evaluated 2024-03-16.

Conditions:
Tuberous sclerosis 2 (TSC2). Identifiers: Orphanet 805, MedGen C1860707, MONDO:0013199, OMIM 613254.
Hereditary cancer-predisposing syndrome. Also called: Hereditary neoplastic syndrome; Neoplastic Syndromes, Hereditary; Tumor predisposition; Hereditary Cancer Syndrome. Identifiers: Orphanet 140162, MedGen C0027672, MeSH D009386, MONDO:0015356.

Submissions (2):

Ambry Genetics
Classification: Uncertain significance for Hereditary cancer-predisposing syndrome. Last evaluated: 2024-03-16. Review status: criteria provided, single submitter. Criteria: Ambry Variant Classification Scheme 2023. Collection method: clinical testing. Allele origin: germline.
Comment: The p.D1590E variant (also known as c.4770C>G), located in coding exon 36 of the TSC2 gene, results from a C to G substitution at nucleotide position 4770. The aspartic acid at codon 1590 is replaced by glutamic acid, an amino acid with highly similar properties. This amino acid position is conserved. In addition, the in silico prediction for this alteration is inconclusive. Based on the available evidence, the clinical significance of this alteration remains unclear.

Labcorp Genetics (formerly Invitae), Labcorp
Classification: Uncertain significance for Tuberous sclerosis 2. Last evaluated: 2021-12-02. Review status: criteria provided, single submitter. Criteria: Invitae Variant Classification Sherloc (09022015). Collection method: clinical testing. Allele origin: germline.
Comment: In summary, the available evidence is currently insufficient to determine the role of this variant in disease. Therefore, it has been classified as a Variant of Uncertain Significance. Advanced modeling of protein sequence and biophysical properties (such as structural, functional, and spatial information, amino acid conservation, physicochemical variation, residue mobility, and thermodynamic stability) performed at Invitae indicates that this missense variant is not expected to disrupt TSC2 protein function. This variant has not been reported in the literature in individuals affected with TSC2-related conditions. This variant is not present in population databases (gnomAD no frequency). This sequence change replaces aspartic acid, which is acidic and polar, with glutamic acid, which is acidic and polar, at codon 1590 of the TSC2 protein (p.Asp1590Glu).